The following is an entry in ClinVar:

NM_206996.4(SPAG17):c.4769C>A (p.Thr1590Asn)

Gene: SPAG17 (sperm associated antigen 17; minus strand). Cytogenetic location: 1p12.
Variant type: single nucleotide variant.
Coding change: c.4769C>A on transcript NM_206996.4 (MANE Select); coding-DNA position 4769, C replaced by A.
Protein change: p.Thr1590Asn; replaces threonine 1590 with asparagine.
Molecular consequence: missense variant.
Genome position (GRCh38, 1-based): chr1:118,005,421, G>T on the plus strand (C>A on the coding strand, the complement: SPAG17 is on the minus strand). VCF-style: chr1-118005421-G-T. GRCh37 (hg19) VCF-style: chr1-118548044-G-T.
Other names: short protein forms T1590N.
Identifiers: ClinVar variation 3056024 (VCV003056024.2), dbSNP rs75886122, ClinGen allele CA1033325.

ClinVar aggregate classification (germline): Likely benign (0 of 4 stars; one submission).

Conditions:
SPAG17-related disorder. Also called: SPAG17-related condition.

Allele frequency attached by ClinVar (database versions not stated): 1000 Genomes Project 0.00639; 1000 Genomes Project 30x 0.00671; gnomAD 0.01227; TOPMed 0.01276; ExAC 0.01281; ESP Exome Variant Server 0.01815; gnomAD exomes 0.01961.
gnomAD v4.1: 30,181 of 1,603,388 alleles (1.9%); highest among the groups gnomAD compares: Non-Finnish European, 2.4%; 374 homozygotes.

Submission:

PreventionGenetics, part of Exact Sciences
Classification: Likely benign for SPAG17-related condition. Last evaluated: 2019-03-22. Review status: no assertion criteria provided. Collection method: clinical testing. Allele origin: germline.
Comment: This variant is classified as likely benign based on ACMG/AMP sequence variant interpretation guidelines (Richards et al. 2015 PMID: 25741868, with internal and published modifications).